The following is an entry in ClinVar:

NM_138694.4(PKHD1):c.9464A>G (p.Tyr3155Cys)

Gene: PKHD1 (PKHD1 ciliary IPT domain containing fibrocystin/polyductin; minus strand). Cytogenetic location: 6p12.3.
Variant type: single nucleotide variant.
Coding change: c.9464A>G on transcript NM_138694.4 (MANE Select); coding-DNA position 9464, A replaced by G.
Protein change: p.Tyr3155Cys; replaces tyrosine 3155 with cysteine.
Molecular consequence: missense variant.
Genome position (GRCh38, 1-based): chr6:51,748,152, T>C on the plus strand (A>G on the coding strand, the complement: PKHD1 is on the minus strand). VCF-style: chr6-51748152-T-C. GRCh37 (hg19) VCF-style: chr6-51612950-T-C.
Other names: c.9464A>G, p.Tyr3155Cys (NM_170724.3); c.9464A>G (NM_138694.3); short protein forms Y3155C.
Identifiers: ClinVar variation 1347236 (VCV001347236.11), dbSNP rs957419550, ClinGen allele CA138896240.

ClinVar aggregate classification (germline): Pathogenic/Likely pathogenic. Review status: criteria provided, multiple submitters, no conflicts (2 of 4 stars). 5 submissions from 5 submitters: Pathogenic (1); Likely pathogenic (4). Last evaluated 2025-11-05.

Conditions:
Polycystic kidney disease 4 (PKD4). Also called: Autosomal Recessive Polycystic Kidney Disease – PKHD1; POLYCYSTIC KIDNEY DISEASE 4 WITH OR WITHOUT POLYCYSTIC LIVER DISEASE; POLYCYSTIC KIDNEY AND HEPATIC DISEASE 1; POLYCYSTIC KIDNEY DISEASE, INFANTILE, TYPE I; PKD3. Identifiers: MedGen C4540575, MONDO:0033004, OMIM 263200.
Autosomal recessive polycystic kidney disease (ARPKD). Also called: AR polycystic kidney disease. Identifiers: Orphanet 731, Orphanet 8378, MedGen C0085548, MeSH D017044, MONDO:0009889.

Allele frequency attached by ClinVar (database versions not stated): gnomAD 0.00001; TOPMed 0.00001; gnomAD exomes 0.00002 and 0.00001.
gnomAD v4.1: 10 of 1,613,978 alleles (0.00062%); highest among the groups gnomAD compares: East Asian, 0.0045%; no homozygotes.

Submissions (5):

GeneDx
Classification: Likely pathogenic. Last evaluated: 2025-11-05. Review status: criteria provided, single submitter. Criteria: GeneDx Variant Classification Process June 2021. Collection method: clinical testing. Allele origin: germline.
Comment: In silico analysis supports that this missense variant has a deleterious effect on protein structure/function; Not observed at significant frequency in large population cohorts (gnomAD); This variant is associated with the following publications: (PMID: 15698423, 30275481, 33226606, 39888183, 31395954)

Natera, Inc.
Classification: Likely pathogenic for Autosomal recessive polycystic kidney disease. Last evaluated: 2025-07-30. Review status: criteria provided, single submitter. Criteria: Natera Variant Classification Schema (03/2026). Collection method: clinical testing. Allele origin: germline.
Comment: The c.9464A>G variant in PKHD1 is a missense variant predicted to cause substitution of tyrosine to cysteine at amino acid 3155. This variant is rare in the general population with a frequency below the threshold expected for the associated phenotype(s). This variant has been observed in one or more individuals affected with the associated recessive disease, as either homozygous or compound heterozygous with a second variant (PMID: 19940839, 31395954, 33226606). Computational prediction algorithms indicate this variant is likely to affect gene or protein function. Given the available evidence, this variant is classified as Likely Pathogenic.

Fulgent Genetics
Classification: Likely pathogenic for Polycystic kidney disease 4. Last evaluated: 2024-04-02. Review status: criteria provided, single submitter. Criteria: ACMG Guidelines, 2015. Collection method: clinical testing. Allele origin: germline.

Baylor Genetics
Classification: Pathogenic for Polycystic kidney disease 4. Last evaluated: 2024-01-11. Review status: criteria provided, single submitter. Criteria: ACMG Guidelines, 2015. Collection method: clinical testing. Allele origin: unknown.

Labcorp Genetics (formerly Invitae), Labcorp
Classification: Likely pathogenic for Autosomal recessive polycystic kidney disease. Last evaluated: 2023-06-05. Review status: criteria provided, single submitter. Criteria: Invitae Variant Classification Sherloc (09022015). Collection method: clinical testing. Allele origin: germline.
Comment: In summary, the currently available evidence indicates that the variant is pathogenic, but additional data are needed to prove that conclusively. Therefore, this variant has been classified as Likely Pathogenic. This sequence change replaces tyrosine, which is neutral and polar, with cysteine, which is neutral and slightly polar, at codon 3155 of the PKHD1 protein (p.Tyr3155Cys). This variant is present in population databases (no rsID available, gnomAD 0.005%). This missense change has been observed in individuals with clinical features of polycystic kidney disease (PMID: 15698423, 31395954, 33226606). ClinVar contains an entry for this variant (Variation ID: 1347236). Advanced modeling of protein sequence and biophysical properties (such as structural, functional, and spatial information, amino acid conservation, physicochemical variation, residue mobility, and thermodynamic stability) performed at Invitae indicates that this missense variant is expected to disrupt PKHD1 protein function.

Literature cited by the submitters: PubMed 19940839 (cited by Natera, Inc.); PubMed 31395954 (cited by Natera, Inc. and Labcorp Genetics (formerly Invitae), Labcorp); PubMed 33226606 (cited by Natera, Inc. and Labcorp Genetics (formerly Invitae), Labcorp); PubMed 15698423 (cited by Labcorp Genetics (formerly Invitae), Labcorp).